The following is an entry in ClinVar:

ClinVar aggregate classification (germline): Uncertain significance (1 of 4 stars; one submission).

Conditions:
Alstrom syndrome (ALMS). Identifiers: Orphanet 64, MedGen C0268425, MONDO:0008763, OMIM 203800.

Allele frequency attached by ClinVar (database versions not stated): TOPMed below 0.00001; gnomAD 0.00003.
gnomAD v4.1: 6 of 1,613,748 alleles (0.00037%); highest among the groups gnomAD compares: African/African-American, 0.008%; no homozygotes.

Submission:

Labcorp Genetics (formerly Invitae), Labcorp
Classification: Uncertain significance for Alstrom syndrome. Last evaluated: 2022-06-23. Review status: criteria provided, single submitter. Criteria: Invitae Variant Classification Sherloc (09022015). Collection method: clinical testing. Allele origin: germline.
Comment: This sequence change replaces threonine, which is neutral and polar, with isoleucine, which is neutral and non-polar, at codon 2052 of the ALMS1 protein (p.Thr2052Ile). This variant is not present in population databases (gnomAD no frequency). This variant has not been reported in the literature in individuals affected with ALMS1-related conditions. Experimental studies and prediction algorithms are not available or were not evaluated, and the functional significance of this variant is currently unknown. In summary, the available evidence is currently insufficient to determine the role of this variant in disease. Therefore, it has been classified as a Variant of Uncertain Significance.

NM_001378454.1(ALMS1):c.6152C>T (p.Thr2051Ile)

Gene: ALMS1 (ALMS1 centrosome and basal body associated protein; plus strand). Cytogenetic location: 2p13.1.
Variant type: single nucleotide variant.
Coding change: c.6152C>T on transcript NM_001378454.1 (MANE Select); coding-DNA position 6152, C replaced by T.
Protein change: p.Thr2051Ile; replaces threonine 2051 with isoleucine.
Molecular consequence: missense variant.
Genome position (GRCh38, 1-based): chr2:73,452,679, C>T. VCF-style: chr2-73452679-C-T. GRCh37 (hg19) VCF-style: chr2-73679806-C-T.
Other names: c.6155C>T, p.Thr2052Ile (NM_015120.4); short protein forms T2051I, T2052I.
Identifiers: ClinVar variation 2073866 (VCV002073866.1), dbSNP rs866777625, ClinGen allele CA50397531.